The following is an entry in ClinVar:

ClinVar aggregate classification (germline): Uncertain significance (1 of 4 stars; one submission).

Allele frequency attached by ClinVar (database versions not stated): gnomAD 0.00002; TOPMed 0.00004.
gnomAD v4.1: 19 of 1,609,838 alleles (0.0012%); highest among the groups gnomAD compares: African/African-American, 0.012%; no homozygotes.

Submission:

Labcorp Genetics (formerly Invitae), Labcorp
Classification: Uncertain significance. Last evaluated: 2022-08-23. Review status: criteria provided, single submitter. Criteria: Invitae Variant Classification Sherloc (09022015). Collection method: clinical testing. Allele origin: germline.
Comment: This sequence change replaces isoleucine, which is neutral and non-polar, with threonine, which is neutral and polar, at codon 911 of the SLC12A1 protein (p.Ile911Thr). This variant is present in population databases (rs747573589, gnomAD 0.007%). This variant has not been reported in the literature in individuals affected with SLC12A1-related conditions. Algorithms developed to predict the effect of missense changes on protein structure and function are either unavailable or do not agree on the potential impact of this missense change (SIFT: "Tolerated"; PolyPhen-2: "Possibly Damaging"; Align-GVGD: "Class C0"). In summary, the available evidence is currently insufficient to determine the role of this variant in disease. Therefore, it has been classified as a Variant of Uncertain Significance.

NM_000338.3(SLC12A1):c.2732T>C (p.Ile911Thr)

Gene: SLC12A1 (solute carrier family 12 member 1; plus strand). Cytogenetic location: 15q21.1.
Variant type: single nucleotide variant.
Coding change: c.2732T>C on transcript NM_000338.3 (MANE Select); coding-DNA position 2732, T replaced by C.
Protein change: p.Ile911Thr; replaces isoleucine 911 with threonine.
Molecular consequence: missense variant.
Genome position (GRCh38, 1-based): chr15:48,288,145, T>C. VCF-style: chr15-48288145-T-C. GRCh37 (hg19) VCF-style: chr15-48580342-T-C.
Other names: c.2732T>C, p.Ile911Thr (NM_001184832.2, NM_001384136.1); short protein forms I911T.
Identifiers: ClinVar variation 2144896 (VCV002144896.1), dbSNP rs747573589, ClinGen allele CA7547500.